The following is an entry in ClinVar:

ClinVar aggregate classification (germline): Likely benign (1 of 4 stars; one submission).

Conditions:
KCNV2-related disorder. Also called: KCNV2-related condition.

gnomAD v4.1: 50 of 1,614,214 alleles (0.0031%); highest among the groups gnomAD compares: African/African-American, 0.043%; 1 homozygote.

Submission:

PreventionGenetics, part of Exact Sciences
Classification: Likely benign for KCNV2-related condition. Last evaluated: 2024-10-21. Review status: criteria provided, single submitter. Criteria: ACMG Guidelines, 2015. Collection method: clinical testing. Allele origin: germline.
Comment: This variant is classified as likely benign based on ACMG/AMP sequence variant interpretation guidelines (Richards et al. 2015 PMID: 25741868, with internal and published modifications).

NM_133497.4(KCNV2):c.-8C>T

Gene: KCNV2 (potassium voltage-gated channel modifier subfamily V member 2; plus strand). Cytogenetic location: 9p24.2.
Variant type: single nucleotide variant.
Coding change: c.-8C>T on transcript NM_133497.4 (MANE Select); 8 bases upstream of the start codon, C replaced by T.
Molecular consequence: 5 prime UTR variant.
Genome position (GRCh38, 1-based): chr9:2,717,732, C>T. VCF-style: chr9-2717732-C-T. GRCh37 (hg19) VCF-style: chr9-2717732-C-T.
Identifiers: ClinVar variation 4980137 (VCV004980137.1).
Genomic context (GRCh38, chr9:2,717,732, plus strand): 5'-GCAGTGAGCAGGTGAGGGACCCCTACCACAGCCAGGAGGAAAAAGCTAGGCGTCCACTTT[C>T]CGCAGCCATGCTCAAACAGAGTGAGAGGAGACGGTCCTGGAGCTACAGGCCCTGGAACAC-3'